The following is an entry in ClinVar:

ClinVar aggregate classification (germline): Uncertain significance. Review status: criteria provided, multiple submitters, no conflicts (2 of 4 stars). 3 submissions from 3 submitters: Uncertain significance (3). Last evaluated 2025-06-24.

Conditions:
Congenital myasthenic syndrome 2A. Also called: Myasthenic syndrome, congenital, 2a, slow-channel. Identifiers: Orphanet 590, MedGen C4225374, MONDO:0014581, OMIM 616313.

Allele frequency attached by ClinVar (database versions not stated): gnomAD exomes 0.00005 and 0.00007; gnomAD 0.00006; ExAC 0.00007; TOPMed 0.00007; 1000 Genomes Project 30x 0.00016; 1000 Genomes Project 0.00020.
gnomAD v4.1: 118 of 1,614,156 alleles (0.0073%); highest among the groups gnomAD compares: East Asian, 0.02%; no homozygotes.

Submissions (3):

Labcorp Genetics (formerly Invitae), Labcorp
Classification: Uncertain significance for Congenital myasthenic syndrome 2A. Last evaluated: 2025-06-24. Review status: criteria provided, single submitter. Criteria: Invitae Variant Classification Sherloc (09022015). Collection method: clinical testing. Allele origin: germline.
Comment: This sequence change replaces arginine, which is basic and polar, with histidine, which is basic and polar, at codon 243 of the CHRNB1 protein (p.Arg243His). This variant is present in population databases (rs200409941, gnomAD 0.02%). This variant has not been reported in the literature in individuals affected with CHRNB1-related conditions. ClinVar contains an entry for this variant (Variation ID: 476154). Invitae Evidence Modeling of protein sequence and biophysical properties (such as structural, functional, and spatial information, amino acid conservation, physicochemical variation, residue mobility, and thermodynamic stability) indicates that this missense variant is expected to disrupt CHRNB1 protein function with a positive predictive value of 80%. In summary, the available evidence is currently insufficient to determine the role of this variant in disease. Therefore, it has been classified as a Variant of Uncertain Significance.

Blueprint Genetics
Classification: Uncertain significance. Last evaluated: 2024-10-24. Review status: criteria provided, single submitter. Criteria: ACMG Guidelines, 2015. Collection method: clinical testing. Allele origin: germline.

Revvity Omics, Revvity
Classification: Uncertain significance. Last evaluated: 2019-07-10. Review status: criteria provided, single submitter. Criteria: ACMG Guidelines, 2015. Collection method: clinical testing. Allele origin: germline.

NM_000747.3(CHRNB1):c.728G>A (p.Arg243His)

Gene: CHRNB1 (cholinergic receptor nicotinic beta 1 subunit; plus strand). Cytogenetic location: 17p13.1.
Variant type: single nucleotide variant.
Coding change: c.728G>A on transcript NM_000747.3 (MANE Select); coding-DNA position 728, G replaced by A.
Protein change: p.Arg243His; replaces arginine 243 with histidine.
Molecular consequence: missense variant.
Genome position (GRCh38, 1-based): chr17:7,448,696, G>A. VCF-style: chr17-7448696-G-A. GRCh37 (hg19) VCF-style: chr17-7352015-G-A.
Other names: short protein forms R243H.
Identifiers: ClinVar variation 476154 (VCV000476154.12), dbSNP rs200409941, ClinGen allele CA8347873.